The following is an entry in ClinVar:

ClinVar aggregate classification (germline): Likely pathogenic (1 of 4 stars; one submission).

gnomAD v4.1: 3 of 1,604,264 alleles (0.00019%); highest among the groups gnomAD compares: South Asian, 0.0033%; no homozygotes.

Submission:

Labcorp Genetics (formerly Invitae), Labcorp
Classification: Likely pathogenic. Last evaluated: 2025-05-05. Review status: criteria provided, single submitter. Criteria: Invitae Variant Classification Sherloc (09022015). Collection method: clinical testing. Allele origin: germline.
Comment: This sequence change affects an acceptor splice site in intron 5 of the OBSL1 gene. It is expected to disrupt RNA splicing. Variants that disrupt the donor or acceptor splice site typically lead to a loss of protein function (PMID: 16199547), and loss-of-function variants in OBSL1 are known to be pathogenic (PMID: 19481195, 19877176). This variant is not present in population databases (gnomAD no frequency). This variant has not been reported in the literature in individuals affected with OBSL1-related conditions. Algorithms developed to predict the effect of sequence changes on RNA splicing suggest that this variant may disrupt the consensus splice site. In summary, the currently available evidence indicates that the variant is pathogenic, but additional data are needed to prove that conclusively. Therefore, this variant has been classified as Likely Pathogenic.

Literature cited by the submitters: PubMed 16199547; PubMed 19481195; PubMed 19877176.

NM_015311.3(OBSL1):c.2135-2A>T

Gene: OBSL1 (obscurin like cytoskeletal adaptor 1; minus strand). Cytogenetic location: 2q35.
Variant type: single nucleotide variant.
Coding change: c.2135-2A>T on transcript NM_015311.3 (MANE Select); the canonical splice acceptor site of the intron before coding-DNA position 2135, A replaced by T.
Molecular consequence: splice acceptor variant.
Genome position (GRCh38, 1-based): chr2:219,565,516, T>A on the plus strand (A>T on the coding strand, the complement: OBSL1 is on the minus strand). VCF-style: chr2-219565516-T-A. GRCh37 (hg19) VCF-style: chr2-220430238-T-A.
Other names: c.2135-2A>T (NM_001173431.2, NM_001173408.2).
Identifiers: ClinVar variation 4713524 (VCV004713524.1).
Genomic context (GRCh38, chr2:219,565,516, plus strand): 5'-TGAGGTTGTGAAGGTCAACGACACCCTGTCCTGGGGGCTCAGGATGTGCACCGGGCTCTC[T>A]GTGTGGGGAGAAGTACAGATAAGCACCCCTCCCTCCGGTGCATGGGCTCAGTGTCGGATG-3'